The following is an entry in ClinVar:

ClinVar aggregate classification (germline): Likely benign (1 of 4 stars; one submission).

Conditions:
Deficiency of 2-methylbutyryl-CoA dehydrogenase (ACADSB). Also called: 2-methylbutyryl-CoA dehydrogenase deficiency; SBCAD deficiency; 2-methylbutyric aciduria; Short branched-chain acyl-CoA dehydrogenase deficiency; 2-methylbutyrylglycinuria. Identifiers: Orphanet 79157, MedGen C1864912, MONDO:0012392, OMIM 610006, HP:0020147.

Allele frequency attached by ClinVar (database versions not stated): 1000 Genomes Project 0.00280; gnomAD 0.00046 and 0.00068; TOPMed 0.00092; gnomAD exomes 0.00093; 1000 Genomes Project 30x 0.00234.
gnomAD v4.1: 1,183 of 1,286,788 alleles (0.092%); highest among the groups gnomAD compares: East Asian, 2.4%; 18 homozygotes.

Submission:

Illumina Laboratory Services, Illumina
Classification: Likely benign for Deficiency of 2-methylbutyryl-CoA dehydrogenase. Last evaluated: 2018-01-13. Review status: criteria provided, single submitter. Criteria: ICSL Variant Classification Criteria 13 December 2019. Collection method: clinical testing. Allele origin: germline.
Comment: This variant was observed in the ICSL laboratory as part of a predisposition screen in an ostensibly healthy population. It had not been previously curated by ICSL or reported in the Human Gene Mutation Database (HGMD: prior to June 1st, 2018), and was therefore a candidate for classification through an automated scoring system. Utilizing variant allele frequency, disease prevalence and penetrance estimates, and inheritance mode, an automated score was calculated to assess if this variant is too frequent to cause the disease. Based on the score and internal cut-off values, a variant classified as likely benign is not then subjected to further curation. The score for this variant resulted in a classification of likely benign for this disease.

NM_001609.4(ACADSB):c.*78C>T

Gene: ACADSB (acyl-CoA dehydrogenase short/branched chain; plus strand). Cytogenetic location: 10q26.13.
Variant type: single nucleotide variant.
Coding change: c.*78C>T on transcript NM_001609.4 (MANE Select); 78 bases downstream of the stop codon, C replaced by T.
Molecular consequence: 3 prime UTR variant.
Genome position (GRCh38, 1-based): chr10:123,053,843, C>T. VCF-style: chr10-123053843-C-T. GRCh37 (hg19) VCF-style: chr10-124813359-C-T.
Other names: c.*78C>T (NM_001330174.3).
Identifiers: ClinVar variation 299096 (VCV000299096.5), dbSNP rs117078411, ClinGen allele CA10628150.
Genomic context (GRCh38, chr10:123,053,843, plus strand): 5'-CCCCTCCCTGGTGTCACTGCTGTAAAATTTTAAACGGTTGTGTCTTGTTGGGAGTAAGTG[C>T]CTTGCGTGGGAATAAACTTCCACAGCATTCGAATATTTTAATGAAGCCCTTAGTCAGGGT-3'